The following is an entry in ClinVar:

NM_004104.5(FASN):c.1189G>A (p.Gly397Ser)

Gene: FASN (fatty acid synthase; minus strand). Cytogenetic location: 17q25.3.
Variant type: single nucleotide variant.
Coding change: c.1189G>A on transcript NM_004104.5 (MANE Select); coding-DNA position 1189, G replaced by A.
Protein change: p.Gly397Ser; replaces glycine 397 with serine.
Molecular consequence: missense variant.
Genome position (GRCh38, 1-based): chr17:82,091,525, C>T on the plus strand (G>A on the coding strand, the complement: FASN is on the minus strand). VCF-style: chr17-82091525-C-T. GRCh37 (hg19) VCF-style: chr17-80049401-C-T.
Other names: short protein forms G397S.
Identifiers: ClinVar variation 3653655 (VCV003653655.2).

ClinVar aggregate classification (germline): Uncertain significance (1 of 4 stars; one submission).

Conditions:
Epileptic encephalopathy. Identifiers: MedGen C0543888, HP:0200134.

Submission:

Labcorp Genetics (formerly Invitae), Labcorp
Classification: Uncertain significance for Epileptic encephalopathy. Last evaluated: 2024-05-17. Review status: criteria provided, single submitter. Criteria: Invitae Variant Classification Sherloc (09022015). Collection method: clinical testing. Allele origin: germline.
Comment: This sequence change replaces glycine, which is neutral and non-polar, with serine, which is neutral and polar, at codon 397 of the FASN protein (p.Gly397Ser). This variant is not present in population databases (gnomAD no frequency). This variant has not been reported in the literature in individuals affected with FASN-related conditions. An algorithm developed to predict the effect of missense changes on protein structure and function (PolyPhen-2) suggests that this variant is likely to be disruptive. In summary, the available evidence is currently insufficient to determine the role of this variant in disease. Therefore, it has been classified as a Variant of Uncertain Significance.